The following is an entry in ClinVar:

ClinVar aggregate classification (germline): Uncertain significance (1 of 4 stars; one submission).

Conditions:
Epidermolysis bullosa simplex with nail dystrophy (EBS5D). Identifiers: MedGen C4225309, MONDO:0014661, OMIM 616487.
Epidermolysis bullosa simplex 5C, with pyloric atresia (EBS5C). Also called: PLEC-Related Epidermolysis Bullosa with Pyloric Atresia; Epidermolysis bullosa simplex with pyloric atresia; PLEC1-Related Epidermolysis Bullosa with Pyloric Atresia. Identifiers: Orphanet 158684, MedGen C2677349, MONDO:0012807, OMIM 612138.
Autosomal recessive limb-girdle muscular dystrophy type 2Q (LGMDR17). Also called: MUSCULAR DYSTROPHY, LIMB-GIRDLE, AUTOSOMAL RECESSIVE 17. Identifiers: Orphanet 254361, MedGen C3150989, MONDO:0013390, OMIM 613723.
Epidermolysis bullosa simplex, Ogna type (EBS5A). Also called: Pidermolysis bullosa simplex 5A, Ogna type; EPIDERMOLYSIS BULLOSA SIMPLEX 5A, OGNA TYPE. Identifiers: Orphanet 79401, MedGen C0432317, MONDO:0007555, OMIM 131950.
Epidermolysis bullosa simplex 5B, with muscular dystrophy (EBS5B). Also called: EPIDERMOLYSIS BULLOSA SIMPLEX AND LIMB-GIRDLE MUSCULAR DYSTROPHY; Epidermolysis bullosa simplex with muscular dystrophy. Identifiers: Orphanet 257, MedGen C2931072, MONDO:0009181, OMIM 226670.

Allele frequency attached by ClinVar (database versions not stated): gnomAD 0.00001.
gnomAD v4.1: 1 of 1,612,838 alleles (0.000062%); highest among the groups gnomAD compares: African/African-American, 0.0013%; no homozygotes.

Submission:

Labcorp Genetics (formerly Invitae), Labcorp
Classification: Uncertain significance for Autosomal recessive limb-girdle muscular dystrophy type 2Q; Epidermolysis bullosa simplex, Ogna type; Epidermolysis bullosa simplex with nail dystrophy; Epidermolysis bullosa simplex 5C, with pyloric atresia; Epidermolysis bullosa simplex 5B, with muscular dystrophy. Last evaluated: 2023-11-03. Review status: criteria provided, single submitter. Criteria: Invitae Variant Classification Sherloc (09022015). Collection method: clinical testing. Allele origin: germline.
Comment: This sequence change replaces lysine, which is basic and polar, with asparagine, which is neutral and polar, at codon 682 of the PLEC protein (p.Lys682Asn). This variant is not present in population databases (gnomAD no frequency). This variant has not been reported in the literature in individuals affected with PLEC-related conditions. Advanced modeling of protein sequence and biophysical properties (such as structural, functional, and spatial information, amino acid conservation, physicochemical variation, residue mobility, and thermodynamic stability) has been performed at Invitae for this missense variant, however the output from this modeling did not meet the statistical confidence thresholds required to predict the impact of this variant on PLEC protein function. In summary, the available evidence is currently insufficient to determine the role of this variant in disease. Therefore, it has been classified as a Variant of Uncertain Significance.

NM_201384.3(PLEC):c.1965G>T (p.Lys655Asn)

Gene: PLEC (plectin; minus strand). Cytogenetic location: 8q24.3.
Variant type: single nucleotide variant.
Coding change: c.1965G>T on transcript NM_201384.3 (MANE Select); coding-DNA position 1965, G replaced by T.
Protein change: p.Lys655Asn; replaces lysine 655 with asparagine.
Molecular consequence: missense variant.
Genome position (GRCh38, 1-based): chr8:143,932,412, C>A on the plus strand (G>T on the coding strand, the complement: PLEC is on the minus strand). VCF-style: chr8-143932412-C-A. GRCh37 (hg19) VCF-style: chr8-145006580-C-A.
Other names: c.2046G>T, p.Lys682Asn (NM_000445.5, NM_001410941.1); c.1923G>T, p.Lys641Asn (NM_201378.4); c.1899G>T, p.Lys633Asn (NM_201379.3); c.2376G>T, p.Lys792Asn (NM_201380.4); c.1869G>T, p.Lys623Asn (NM_201381.3); c.1965G>T, p.Lys655Asn (NM_201382.4); c.1977G>T, p.Lys659Asn (NM_201383.3); short protein forms K641N, K655N, K623N, K659N, K792N, K633N, K682N.
Identifiers: ClinVar variation 2938534 (VCV002938534.3), dbSNP rs755910691, ClinGen allele CA372577895.